The following is an entry in ClinVar:

NM_001385079.1(PDE10A):c.865+7093C>T

Gene: PDE10A (phosphodiesterase 10A; minus strand). Cytogenetic location: 6q27.
Variant type: single nucleotide variant.
Coding change: c.865+7093C>T on transcript NM_001385079.1 (MANE Select); 7093 bases into the intron after coding-DNA position 865, C replaced by T.
Molecular consequence: intron variant.
Genome position (GRCh38, 1-based): chr6:165,654,854, G>A on the plus strand (C>T on the coding strand, the complement: PDE10A is on the minus strand). VCF-style: chr6-165654854-G-A. GRCh37 (hg19) VCF-style: chr6-166068342-G-A.
Other names: c.67+7093C>T (NM_001130690.3); c.-92+7093C>T (NM_006661.4).
Identifiers: ClinVar variation 3024682 (VCV003024682.22), dbSNP rs148579376, ClinGen allele CA151832475.

ClinVar aggregate classification (germline): Likely benign (1 of 4 stars; one submission).

Allele frequency attached by ClinVar (database versions not stated): gnomAD 0.00049; TOPMed 0.00073; 1000 Genomes Project 30x 0.00344; 1000 Genomes Project 0.00359.
gnomAD v4.1: 74 of 152,240 alleles (0.049%); highest among the groups gnomAD compares: East Asian, 1.2%; no homozygotes.

Submission:

CeGaT Center for Human Genetics Tuebingen
Classification: Likely benign. Last evaluated: 2026-05-01. Review status: criteria provided, single submitter. Criteria: CeGaT Center For Human Genetics Tuebingen Variant Classification Criteria Version 2. Collection method: clinical testing. Allele origin: germline. Affected: yes. Observed: 3 variant alleles.
Comment: PDE10A: BS1